The following is an entry in ClinVar:

NM_181507.2(HPS5):c.1570T>C (p.Phe524Leu)

Gene: HPS5 (HPS5 biogenesis of lysosomal organelles complex 2 subunit 2; minus strand). Cytogenetic location: 11p15.1.
Variant type: single nucleotide variant.
Coding change: c.1570T>C on transcript NM_181507.2 (MANE Select); coding-DNA position 1570, T replaced by C.
Protein change: p.Phe524Leu; replaces phenylalanine 524 with leucine.
Molecular consequence: missense variant.
Genome position (GRCh38, 1-based): chr11:18,296,063, A>G on the plus strand (T>C on the coding strand, the complement: HPS5 is on the minus strand). VCF-style: chr11-18296063-A-G. GRCh37 (hg19) VCF-style: chr11-18317610-A-G.
Other names: c.1228T>C, p.Phe410Leu (NM_007216.4, NM_181508.2); short protein forms F410L, F524L.
Identifiers: ClinVar variation 1906755 (VCV001906755.5), dbSNP rs772210311, ClinGen allele CA5910072.

ClinVar aggregate classification (germline): Uncertain significance (1 of 4 stars; one submission).

Allele frequency attached by ClinVar (database versions not stated): gnomAD exomes 0.00001; ExAC 0.00001; gnomAD 0.00001.

Submission:

Labcorp Genetics (formerly Invitae), Labcorp
Classification: Uncertain significance. Last evaluated: 2024-12-02. Review status: criteria provided, single submitter. Criteria: Invitae Variant Classification Sherloc (09022015). Collection method: clinical testing. Allele origin: germline.
Comment: This sequence change replaces phenylalanine, which is neutral and non-polar, with leucine, which is neutral and non-polar, at codon 524 of the HPS5 protein (p.Phe524Leu). This variant is present in population databases (rs772210311, gnomAD 0.009%). This variant has not been reported in the literature in individuals affected with HPS5-related conditions. ClinVar contains an entry for this variant (Variation ID: 1906755). An algorithm developed to predict the effect of missense changes on protein structure and function (PolyPhen-2) suggests that this variant is likely to be disruptive. In summary, the available evidence is currently insufficient to determine the role of this variant in disease. Therefore, it has been classified as a Variant of Uncertain Significance.